The following is an entry in ClinVar:

ClinVar aggregate classification (germline): Pathogenic. Review status: criteria provided, multiple submitters, no conflicts (2 of 4 stars). 2 submissions from 2 submitters: Pathogenic (2). Last evaluated 2023-08-11.

Conditions:
Hereditary cancer-predisposing syndrome. Also called: Hereditary Cancer Syndrome; Neoplastic Syndromes, Hereditary; Hereditary neoplastic syndrome; Tumor predisposition. Identifiers: Orphanet 140162, MedGen C0027672, MeSH D009386, MONDO:0015356.
Lynch syndrome 5 (LYNCH5). Also called: Colorectal cancer, hereditary nonpolyposis, type 5; Hereditary non-polyposis colorectal cancer, type 5. Identifiers: Orphanet 144, MedGen C1833477, MONDO:0013710, OMIM 614350. Disease mechanism: loss of function.

Submissions (2):

Myriad Genetics, Inc.
Classification: Pathogenic for Lynch syndrome 5. Last evaluated: 2023-08-11. Review status: criteria provided, single submitter. Criteria: Myriad Autosomal Dominant, Autosomal Recessive and X-Linked Classification Criteria (2023). Collection method: clinical testing. Allele origin: unknown.
Comment: This variant is considered pathogenic. This variant creates a frameshift predicted to result in premature protein truncation.

Ambry Genetics
Classification: Pathogenic for Hereditary cancer-predisposing syndrome. Last evaluated: 2014-07-24. Review status: criteria provided, single submitter. Criteria: Ambry Variant Classification Scheme 2023. Collection method: clinical testing. Allele origin: germline.
Comment: The c.1290delG pathogenic mutation, located in coding exon 4 of the MSH6 gene, results from a deletion of one nucleotide at position 1290, causing a translational frameshift with a predicted alternate stop codon. Since frameshifts are typically deleterious in nature, this alteration is interpreted as a disease-causing mutation (ACMG Recommendations for Standards for Interpretation and Reporting of Sequence Variations. Revision 2007. Genet Med. 2008;10:294).

NM_000179.3(MSH6):c.1290del (p.Lys431fs)

Gene: MSH6 (mutS homolog 6; plus strand). Cytogenetic location: 2p16.3.
Variant type: Deletion.
Coding change: c.1290del on transcript NM_000179.3 (MANE Select); coding-DNA position 1290, one base deleted (G; older notation c.1290delG).
Protein change: p.Lys431fs; shifts the reading frame from lysine 431.
Molecular consequence: frameshift variant.
Genome position (GRCh38, 1-based): chr2:47,799,273, G deleted; the last of 4 consecutive G bases (chr2:47,799,270-47,799,273); deleting any one gives the same sequence. VCF-style (leftmost placement, unchanged base first): chr2-47799269-TG-T. GRCh37 (hg19) VCF-style: chr2-48026408-TG-T.
Other names: c.900del, p.Lys301fs (NM_001281492.2); c.384del, p.Lys129fs (NM_001281493.2, NM_001281494.2); c.1290delG (NM_000179.2); short protein forms K301fs, K431fs, K129fs.
Identifiers: ClinVar variation 142903 (VCV000142903.6), dbSNP rs587782809, ClinGen allele CA008445.